The following is an entry in ClinVar:

NC_000023.10:g.(?_22094486)_(22151761_?)del

Gene: PHEX (phosphate regulating endopeptidase X-linked; plus strand). Cytogenetic location: Xp22.11.
Variant type: Deletion.
Identifiers: ClinVar variation 1069839 (VCV001069839.5).

ClinVar aggregate classification (germline): Pathogenic (1 of 4 stars; one submission).

Submission:

Labcorp Genetics (formerly Invitae), Labcorp
Classification: Pathogenic. Last evaluated: 2020-10-02. Review status: criteria provided, single submitter. Criteria: Invitae Variant Classification Sherloc (09022015). Collection method: clinical testing. Allele origin: germline.
Comment: For these reasons, this variant has been classified as Pathogenic. Loss-of-function variants in PHEX are known to be pathogenic (PMID: 9097956, 9106524, 19219621). This variant has not been reported in the literature in individuals with PHEX-related conditions. This sequence change creates a premature translational stop signal (Deletion (Exons 4-12)) in the PHEX gene. It is expected to result in an absent or disrupted protein product.

Literature cited by the submitters: PubMed 9097956; PubMed 9106524; PubMed 19219621.